The following is an entry in ClinVar:

ClinVar aggregate classification (germline): Conflicting classifications of pathogenicity. Review status: criteria provided, conflicting classifications (1 of 4 stars). 4 submissions from 4 submitters: Uncertain significance (2); Benign (1). 1 of the submissions does not count toward it. Last evaluated 2025-12-24.

Conditions:
Familial thoracic aortic aneurysm and aortic dissection (TAAD). Also called: Thoracic aortic aneurysms and dissections. Identifiers: Orphanet 91387, MedGen C4707243, MONDO:0019625.
FLNA-related disorder.
Heterotopia, periventricular, X-linked dominant (PVNH1). Also called: PERIVENTRICULAR NODULAR HETEROTOPIA 1; X-linked periventricular heterotopia; PERIVENTRICULAR NODULAR HETEROTOPIA 4; HETEROTOPIA, PERIVENTRICULAR, 1. Identifiers: Orphanet 2149, Orphanet 82004, MedGen C1848213, MONDO:0010233, OMIM 300049.
Oto-palato-digital syndrome, type II (OPD2). Also called: FACIOPALATOOSSEOUS SYNDROME; OPD II SYNDROME; Otopalatodigital Syndrome Type 2 (FLNA-OPD2); Otopalatodigital Syndrome, Type II. Identifiers: Orphanet 669, Orphanet 90652, MedGen C1844696, MONDO:0010571, OMIM 304120.
Frontometaphyseal dysplasia (FMD1). Identifiers: Orphanet 1826, MedGen C0265293, MONDO:0015942.
Melnick-Needles syndrome (MNS). Also called: MELNICK-NEEDLES OSTEODYSPLASTY; OSTEODYSPLASTY OF MELNICK AND NEEDLES; Melnick-Needles Syndrome (FLNA-MNS). Identifiers: Orphanet 2484, MedGen C0025237, MONDO:0010650, OMIM 309350.

Allele frequency attached by ClinVar (database versions not stated): ExAC 0.00001; gnomAD exomes 0.00001; gnomAD 0.00003; TOPMed 0.00008.
gnomAD v4.1: 16 of 1,210,760 alleles (0.0013%); highest among the groups gnomAD compares: Admixed American, 0.0043%; no homozygotes.

Submissions (4):

Ambry Genetics
Classification: Uncertain significance for Familial thoracic aortic aneurysm and aortic dissection. Last evaluated: 2025-12-24. Review status: criteria provided, single submitter. Criteria: Ambry Variant Classification Scheme 2023. Collection method: clinical testing. Allele origin: germline.
Comment: The p.E514D variant (also known as c.1542G>C), located in coding exon 9 of the FLNA gene, results from a G to C substitution at nucleotide position 1542. The glutamic acid at codon 514 is replaced by aspartic acid, an amino acid with highly similar properties. This amino acid position is conserved. In addition, this alteration is predicted to be tolerated by in silico analysis. Based on the available evidence, the clinical significance of this variant remains unclear.

Labcorp Genetics (formerly Invitae), Labcorp
Classification: Benign for Oto-palato-digital syndrome, type II; Heterotopia, periventricular, X-linked dominant; Frontometaphyseal dysplasia; Melnick-Needles syndrome. Last evaluated: 2025-10-01. Review status: criteria provided, single submitter. Criteria: Invitae Variant Classification Sherloc (09022015). Collection method: clinical testing. Allele origin: germline.

Athena Diagnostics
Classification: Uncertain significance. Last evaluated: 2018-01-24. Review status: criteria provided, single submitter. Criteria: Athena Diagnostics Criteria. Collection method: clinical testing. Allele origin: germline.

PreventionGenetics, part of Exact Sciences
Classification: Likely benign for FLNA-related condition. Last evaluated: 2024-08-06. Review status: no assertion criteria provided. Collection method: clinical testing. Allele origin: germline. Not counted in ClinVar's aggregate classification.
Comment: This variant is classified as likely benign based on ACMG/AMP sequence variant interpretation guidelines (Richards et al. 2015 PMID: 25741868, with internal and published modifications).

NM_001110556.2(FLNA):c.1542G>C (p.Glu514Asp)

Gene: FLNA (filamin A; minus strand). Cytogenetic location: Xq28.
Variant type: single nucleotide variant.
Coding change: c.1542G>C on transcript NM_001110556.2 (MANE Select); coding-DNA position 1542, G replaced by C.
Protein change: p.Glu514Asp; replaces glutamic acid 514 with aspartic acid.
Molecular consequence: missense variant.
Genome position (GRCh38, 1-based): chrX:154,365,374, C>G on the plus strand (G>C on the coding strand, the complement: FLNA is on the minus strand). VCF-style: chrX-154365374-C-G. GRCh37 (hg19) VCF-style: chrX-153593742-C-G.
Other names: c.1542G>C, p.Glu514Asp (NM_001456.4); short protein forms E514D.
Identifiers: ClinVar variation 464975 (VCV000464975.12), dbSNP rs782765195, ClinGen allele CA10561155.